The following is an entry in ClinVar:

NM_000064.4(C3):c.2494G>A (p.Asp832Asn)

Gene: C3 (complement C3; minus strand). Cytogenetic location: 19p13.3.
Variant type: single nucleotide variant.
Coding change: c.2494G>A on transcript NM_000064.4 (MANE Select); coding-DNA position 2494, G replaced by A.
Protein change: p.Asp832Asn; replaces aspartic acid 832 with asparagine.
Molecular consequence: missense variant.
Genome position (GRCh38, 1-based): chr19:6,697,741, C>T on the plus strand (G>A on the coding strand, the complement: C3 is on the minus strand). VCF-style: chr19-6697741-C-T. GRCh37 (hg19) VCF-style: chr19-6697752-C-T.
Other names: short protein forms D832N.
Identifiers: ClinVar variation 3620495 (VCV003620495.2).

ClinVar aggregate classification (germline): Uncertain significance (1 of 4 stars; one submission).

gnomAD v4.1: 7 of 1,613,804 alleles (0.00043%); highest among the groups gnomAD compares: South Asian, 0.0022%; no homozygotes.

Submission:

Labcorp Genetics (formerly Invitae), Labcorp
Classification: Uncertain significance. Last evaluated: 2024-06-10. Review status: criteria provided, single submitter. Criteria: Invitae Variant Classification Sherloc (09022015). Collection method: clinical testing. Allele origin: germline.
Comment: This sequence change replaces aspartic acid, which is acidic and polar, with asparagine, which is neutral and polar, at codon 832 of the C3 protein (p.Asp832Asn). This variant is present in population databases (rs766179097, gnomAD 0.006%). This variant has not been reported in the literature in individuals affected with C3-related conditions. Advanced modeling of protein sequence and biophysical properties (such as structural, functional, and spatial information, amino acid conservation, physicochemical variation, residue mobility, and thermodynamic stability) performed at Invitae indicates that this missense variant is expected to disrupt C3 protein function with a positive predictive value of 80%. In summary, the available evidence is currently insufficient to determine the role of this variant in disease. Therefore, it has been classified as a Variant of Uncertain Significance.